The following is an entry in ClinVar:

ClinVar aggregate classification (germline): Conflicting classifications of pathogenicity. Review status: criteria provided, conflicting classifications (1 of 4 stars). 3 submissions from 3 submitters: Uncertain significance (2); Benign (1). Last evaluated 2026-03-31.

Conditions:
Hereditary cancer-predisposing syndrome. Also called: Neoplastic Syndromes, Hereditary; Tumor predisposition; Hereditary Cancer Syndrome; Hereditary neoplastic syndrome. Identifiers: Orphanet 140162, MedGen C0027672, MeSH D009386, MONDO:0015356.
Birt-Hogg-Dube syndrome. Also called: Birt Hogg Dubé syndrome. Identifiers: Orphanet 122, MedGen C0346010, MONDO:0800444.

Allele frequency attached by ClinVar (database versions not stated): ExAC 0.00002; gnomAD exomes 0.00001.
gnomAD v4.1: 7 of 1,614,242 alleles (0.00043%); highest among the groups gnomAD compares: Admixed American, 0.012%; no homozygotes.

Submissions (3):

Ambry Genetics
Classification: Benign for Hereditary cancer-predisposing syndrome. Last evaluated: 2026-03-31. Review status: criteria provided, single submitter. Criteria: Ambry Variant Classification Scheme 2023. Collection method: clinical testing. Allele origin: germline.

Quest Diagnostics Nichols Institute San Juan Capistrano
Classification: Uncertain significance. Last evaluated: 2025-06-18. Review status: criteria provided, single submitter. Criteria: Quest Diagnostics criteria. Collection method: clinical testing. Allele origin: unknown.
Comment: The FLCN c.1590G>C (p.Glu530Asp) variant has not been reported in individuals with FLCN-related conditions in the published literature. The frequency of this variant in the general population (Genome Aggregation Database) is higher than would generally be expected for pathogenic variants in this gene. Analysis of this variant using bioinformatics tools for the prediction of the effect of amino acid changes on protein structure and function yielded conflicting predictions that this variant is benign or damaging. Based on the available information, we are unable to determine the clinical significance of this variant.

Labcorp Genetics (formerly Invitae), Labcorp
Classification: Uncertain significance for Birt-Hogg-Dube syndrome. Last evaluated: 2024-03-25. Review status: criteria provided, single submitter. Criteria: Invitae Variant Classification Sherloc (09022015). Collection method: clinical testing. Allele origin: germline.
Comment: This sequence change replaces glutamic acid, which is acidic and polar, with aspartic acid, which is acidic and polar, at codon 530 of the FLCN protein (p.Glu530Asp). This variant is present in population databases (rs756318617, gnomAD 0.01%). This variant has not been reported in the literature in individuals affected with FLCN-related conditions. ClinVar contains an entry for this variant (Variation ID: 2057162). Advanced modeling of protein sequence and biophysical properties (such as structural, functional, and spatial information, amino acid conservation, physicochemical variation, residue mobility, and thermodynamic stability) performed at Invitae indicates that this missense variant is not expected to disrupt FLCN protein function with a negative predictive value of 80%. In summary, the available evidence is currently insufficient to determine the role of this variant in disease. Therefore, it has been classified as a Variant of Uncertain Significance.

NM_144997.7(FLCN):c.1590G>C (p.Glu530Asp)

Gene: FLCN (folliculin; minus strand). Cytogenetic location: 17p11.2.
Variant type: single nucleotide variant.
Coding change: c.1590G>C on transcript NM_144997.7 (MANE Select); coding-DNA position 1590, G replaced by C.
Protein change: p.Glu530Asp; replaces glutamic acid 530 with aspartic acid.
Molecular consequence: missense variant.
Genome position (GRCh38, 1-based): chr17:17,213,805, C>G on the plus strand (G>C on the coding strand, the complement: FLCN is on the minus strand). VCF-style: chr17-17213805-C-G. GRCh37 (hg19) VCF-style: chr17-17117119-C-G.
Other names: c.1590G>C (NM_144997.6); c.1644G>C, p.Glu548Asp (NM_001353229.2); c.1590G>C, p.Glu530Asp (NM_001353230.2, NM_001353231.2); short protein forms E548D, E530D.
Identifiers: ClinVar variation 2057162 (VCV002057162.6), dbSNP rs756318617, ClinGen allele CA8415932.